The following is an entry in ClinVar:

NC_000002.11:g.(?_202508062)_(202508123_?)del

Gene: TMEM237 (transmembrane protein 237; minus strand). Cytogenetic location: 2q33.1.
Variant type: Deletion.
Identifiers: ClinVar variation 2423584 (VCV002423584.3).

ClinVar aggregate classification (germline): Pathogenic (1 of 4 stars; one submission).

Conditions:
Joubert syndrome 14 (JBTS14). Identifiers: MedGen C3280766, MONDO:0013745, OMIM 614424.

Submission:

Labcorp Genetics (formerly Invitae), Labcorp
Classification: Pathogenic for Joubert syndrome 14. Last evaluated: 2023-05-07. Review status: criteria provided, single submitter. Criteria: Invitae Variant Classification Sherloc (09022015). Collection method: clinical testing. Allele origin: germline.
Comment: For these reasons, this variant has been classified as Pathogenic. This variant has not been reported in the literature in individuals affected with TMEM237-related conditions. This variant is a gross deletion of the genomic region encompassing exon(s) 1 of the TMEM237 gene, which includes the initiator codon. This deletion extends beyond the assayed region for this gene and therefore may encompass additional genes. It is expected to result in an absent or disrupted protein product. Loss-of-function variants in TMEM237 are known to be pathogenic (PMID: 22152675).

Literature cited by the submitters: PubMed 22152675.